The following is an entry in ClinVar:

NM_000018.4(ACADVL):c.1174G>T (p.Val392Leu)

Gene: ACADVL (acyl-CoA dehydrogenase very long chain; plus strand). Cytogenetic location: 17p13.1.
Variant type: single nucleotide variant.
Coding change: c.1174G>T on transcript NM_000018.4 (MANE Select); coding-DNA position 1174, G replaced by T.
Protein change: p.Val392Leu; replaces valine 392 with leucine.
Molecular consequence: missense variant.
Genome position (GRCh38, 1-based): chr17:7,223,229, G>T. VCF-style: chr17-7223229-G-T. GRCh37 (hg19) VCF-style: chr17-7126548-G-T.
Other names: c.1108G>T, p.Val370Leu (NM_001033859.3); c.1243G>T, p.Val415Leu (NM_001270447.2); c.946G>T, p.Val316Leu (NM_001270448.2); short protein forms V415L, V316L, V370L, V392L.
Identifiers: ClinVar variation 3678798 (VCV003678798.2).

ClinVar aggregate classification (germline): Pathogenic (1 of 4 stars; one submission).

Conditions:
Very long chain acyl-CoA dehydrogenase deficiency (ACADVLD). Also called: VLCAD Deficiency; Very Long-Chain Acyl-Coenzyme A Dehydrogenase Deficiency. Identifiers: Orphanet 26793, MedGen C3887523, MONDO:0008723, OMIM 201475.

gnomAD v4.1: 1 of 1,613,356 alleles (0.000062%); highest among the groups gnomAD compares: Admixed American, 0.0017%; no homozygotes.

Submission:

Labcorp Genetics (formerly Invitae), Labcorp
Classification: Pathogenic for Very long chain acyl-CoA dehydrogenase deficiency. Last evaluated: 2025-02-10. Review status: criteria provided, single submitter. Criteria: Invitae Variant Classification Sherloc (09022015). Collection method: clinical testing. Allele origin: germline.
Comment: This sequence change replaces valine, which is neutral and non-polar, with leucine, which is neutral and non-polar, at codon 392 of the ACADVL protein (p.Val392Leu). This variant is present in population databases (no rsID available, gnomAD 0.003%). This missense change has been observed in individual(s) with very long-chain acyl-CoA dehydrogenase deficiency (PMID: 28755359). In at least one individual the data is consistent with being in trans (on the opposite chromosome) from a pathogenic variant. Invitae Evidence Modeling of protein sequence and biophysical properties (such as structural, functional, and spatial information, amino acid conservation, physicochemical variation, residue mobility, and thermodynamic stability) has been performed for this missense variant. However, the output from this modeling did not meet the statistical confidence thresholds required to predict the impact of this variant on ACADVL protein function. For these reasons, this variant has been classified as Pathogenic.

Literature cited by the submitters: PubMed 28755359.